The following is an entry in ClinVar:

ClinVar aggregate classification (germline): Uncertain significance (1 of 4 stars; one submission).

Submission:

Ambry Genetics
Classification: Uncertain significance. Last evaluated: 2025-12-20. Review status: criteria provided, single submitter. Criteria: Ambry Variant Classification Scheme 2023. Collection method: clinical testing. Allele origin: germline.
Comment: The p.W1672C variant (also known as c.5016G>T), located in coding exon 44 of the KIF1B gene, results from a G to T substitution at nucleotide position 5016. The tryptophan at codon 1672 is replaced by cysteine, an amino acid with highly dissimilar properties. This amino acid position is conserved. In addition, this alteration is predicted to be deleterious by in silico analysis. Based on the available evidence, the clinical significance of this variant remains unclear.

NM_001365951.3(KIF1B):c.5154G>T (p.Trp1718Cys)

Gene: KIF1B (kinesin family member 1B; plus strand). Cytogenetic location: 1p36.22.
Variant type: single nucleotide variant.
Coding change: c.5154G>T on transcript NM_001365951.3 (MANE Select); coding-DNA position 5154, G replaced by T.
Protein change: p.Trp1718Cys; replaces tryptophan 1718 with cysteine.
Molecular consequence: missense variant.
Genome position (GRCh38, 1-based): chr1:10,374,911, G>T. VCF-style: chr1-10374911-G-T. GRCh37 (hg19) VCF-style: chr1-10434969-G-T.
Other names: c.5154G>T, p.Trp1718Cys (NM_001365952.1); c.5016G>T, p.Trp1672Cys (NM_015074.3); short protein forms W1672C, W1718C.
Identifiers: ClinVar variation 4841866 (VCV004841866.1).